The following is an entry in ClinVar:

NM_001386140.1(MTTP):c.-6G>A

Gene: MTTP (microsomal triglyceride transfer protein; plus strand). Cytogenetic location: 4q23.
Variant type: single nucleotide variant.
Coding change: c.-6G>A on transcript NM_001386140.1 (MANE Select); 6 bases upstream of the start codon, G replaced by A.
Molecular consequence: 5 prime UTR variant. On other transcripts: intron variant (1).
Genome position (GRCh38, 1-based): chr4:99,574,904, G>A. VCF-style: chr4-99574904-G-A. GRCh37 (hg19) VCF-style: chr4-100496061-G-A.
Other names: c.-6G>A (NM_000253.4, NM_000253.3); c.-188-7001G>A (NM_001300785.2).
Identifiers: ClinVar variation 347018 (VCV000347018.56), dbSNP rs41275707, ClinGen allele CA3021715.

ClinVar aggregate classification (germline): Benign/Likely benign. Review status: criteria provided, multiple submitters, no conflicts (2 of 4 stars). 6 submissions from 6 submitters: Benign (1); Likely benign (4). 1 of the submissions does not count toward it. Last evaluated 2024-11-26.

Conditions:
Abetalipoproteinaemia (ABL). Also called: Abetalipoproteinemia; Abetalipoproteinemia neuropathy; Apolipoprotein B deficiency; Congenital betalipoprotein deficiency syndrome; MTP DEFICIENCY. Identifiers: Orphanet 14, MedGen C0000744, MONDO:0008692, OMIM 200100, HP:0008181.

Allele frequency attached by ClinVar (database versions not stated): 1000 Genomes Project 30x 0.00109; 1000 Genomes Project 0.00120; TOPMed 0.00153; ESP Exome Variant Server 0.00192; gnomAD exomes 0.00242 and 0.00247; ExAC 0.00265; gnomAD 0.00266 and 0.00276.
gnomAD v4.1: 3,935 of 1,614,122 alleles (0.24%); highest among the groups gnomAD compares: Non-Finnish European, 0.26%; 10 homozygotes.

Submissions (6):

Blueprint Genetics
Classification: Likely benign. Last evaluated: 2024-11-26. Review status: criteria provided, single submitter. Criteria: ACMG Guidelines, 2015. Collection method: clinical testing. Allele origin: germline.

GeneDx
Classification: Likely benign. Last evaluated: 2024-07-11. Review status: criteria provided, single submitter. Criteria: GeneDx Variant Classification Process June 2021. Collection method: clinical testing. Allele origin: germline. Affected: yes.
Comment: See Variant Classification Assertion Criteria.

CeGaT Center for Human Genetics Tuebingen
Classification: Likely benign. Last evaluated: 2023-08-01. Review status: criteria provided, single submitter. Criteria: CeGaT Center For Human Genetics Tuebingen Variant Classification Criteria Version 2. Collection method: clinical testing. Allele origin: germline. Affected: yes. Observed: 3 variant alleles.
Comment: MTTP: BP4, BS2

Mayo Clinic Laboratories, Mayo Clinic
Classification: Benign. Last evaluated: 2019-11-08. Review status: criteria provided, single submitter. Criteria: ACMG Guidelines, 2015. Collection method: clinical testing. Allele origin: germline. Observed: 9 variant alleles.

Illumina Laboratory Services, Illumina
Classification: Likely benign for Abetalipoproteinaemia. Last evaluated: 2018-01-13. Review status: criteria provided, single submitter. Criteria: ICSL Variant Classification Criteria 13 December 2019. Collection method: clinical testing. Allele origin: germline.
Comment: This variant was observed in the ICSL laboratory as part of a predisposition screen in an ostensibly healthy population. It had not been previously curated by ICSL or reported in the Human Gene Mutation Database (HGMD: prior to June 1st, 2018), and was therefore a candidate for classification through an automated scoring system. Utilizing variant allele frequency, disease prevalence and penetrance estimates, and inheritance mode, an automated score was calculated to assess if this variant is too frequent to cause the disease. Based on the score and internal cut-off values, a variant classified as likely benign is not then subjected to further curation. The score for this variant resulted in a classification of likely benign for this disease.

Natera, Inc.
Classification: Benign for Abetalipoproteinemia. Last evaluated: 2019-11-11. Review status: no assertion criteria provided. Collection method: clinical testing. Allele origin: germline. Not counted in ClinVar's aggregate classification.